The following is an entry in ClinVar:

ClinVar aggregate classification (germline): Uncertain significance (1 of 4 stars; one submission).

Conditions:
Charcot-Marie-Tooth disease axonal type 2C (HMSN2C). Also called: CHARCOT-MARIE-TOOTH DISEASE, AXONAL, AUTOSOMAL DOMINANT, TYPE 2C; Charcot-Marie-Tooth Neuropathy Type 2C; Charcot-Marie-Tooth Disease Type 2, TRPV4-Related (CMT2C). Identifiers: Orphanet 99937, MedGen C1853710, MONDO:0011633, OMIM 606071.

gnomAD v4.1: 1 of 1,614,136 alleles (0.000062%); no homozygotes.

Submission:

Labcorp Genetics (formerly Invitae), Labcorp
Classification: Uncertain significance for Charcot-Marie-Tooth disease axonal type 2C. Last evaluated: 2024-06-17. Review status: criteria provided, single submitter. Criteria: Invitae Variant Classification Sherloc (09022015). Collection method: clinical testing. Allele origin: germline.
Comment: This sequence change replaces histidine, which is basic and polar, with tyrosine, which is neutral and polar, at codon 401 of the TRPV4 protein (p.His401Tyr). This variant is present in population databases (no rsID available, gnomAD 0.0009%). This variant has not been reported in the literature in individuals affected with TRPV4-related conditions. Advanced modeling of protein sequence and biophysical properties (such as structural, functional, and spatial information, amino acid conservation, physicochemical variation, residue mobility, and thermodynamic stability) performed at Invitae indicates that this missense variant is expected to disrupt TRPV4 protein function with a positive predictive value of 95%. In summary, the available evidence is currently insufficient to determine the role of this variant in disease. Therefore, it has been classified as a Variant of Uncertain Significance.

NM_021625.5(TRPV4):c.1201C>T (p.His401Tyr)

Gene: TRPV4 (transient receptor potential cation channel subfamily V member 4; minus strand). Cytogenetic location: 12q24.11.
Variant type: single nucleotide variant.
Coding change: c.1201C>T on transcript NM_021625.5 (MANE Select); coding-DNA position 1201, C replaced by T.
Protein change: p.His401Tyr; replaces histidine 401 with tyrosine.
Molecular consequence: missense variant. On other transcripts: intron variant (2).
Genome position (GRCh38, 1-based): chr12:109,796,656, G>A on the plus strand (C>T on the coding strand, the complement: TRPV4 is on the minus strand). VCF-style: chr12-109796656-G-A. GRCh37 (hg19) VCF-style: chr12-110234461-G-A.
Other names: c.1060C>T, p.His354Tyr (NM_001177428.2); c.1099C>T, p.His367Tyr (NM_001177431.2); c.1011+1958C>T (NM_001177433.1); c.1152+1958C>T (NM_147204.2); short protein forms H367Y, H401Y, H354Y.
Identifiers: ClinVar variation 3695386 (VCV003695386.2).